The following is an entry in ClinVar:

NM_001001548.3(CD36):c.1144C>T (p.Gln382Ter)

Gene: CD36 (CD36 molecule (CD36 blood group); plus strand). Cytogenetic location: 7q21.11.
Variant type: single nucleotide variant.
Coding change: c.1144C>T on transcript NM_001001548.3 (MANE Select); coding-DNA position 1144, C replaced by T.
Protein change: p.Gln382Ter; replaces glutamine 382 with a stop codon.
Molecular consequence: nonsense. On other transcripts: non-coding transcript variant (1).
Genome position (GRCh38, 1-based): chr7:80,672,788, C>T. VCF-style: chr7-80672788-C-T. GRCh37 (hg19) VCF-style: chr7-80302104-C-T.
Other names: c.1144C>T (NM_001127443.1); c.1144C>T, p.Gln382Ter (NM_000072.3, NM_001001547.3, NM_001127443.2 and 5 more transcripts); c.1027C>T, p.Gln343Ter (NM_001289908.1); c.964C>T, p.Gln322Ter (NM_001289909.1); c.916C>T, p.Gln306Ter (NM_001289911.2); c.1042C>T, p.Gln348Ter (NM_001371079.1); c.679C>T, p.Gln227Ter (NM_001371080.1, NM_001371081.1); short protein forms Q227*, Q306*, Q322*, Q343*, Q348*, Q382*.
Identifiers: ClinVar variation 1013550 (VCV001013550.45), dbSNP rs201657731, ClinGen allele CA4315631.

ClinVar aggregate classification (germline): Conflicting classifications of pathogenicity. Review status: criteria provided, conflicting classifications (1 of 4 stars). 5 submissions from 5 submitters: Likely pathogenic (3); Uncertain significance (2). Last evaluated 2026-08-06.

Conditions:
Platelet-type bleeding disorder 10. Also called: CD36 DEFICIENCY. Identifiers: MedGen C1842090, MONDO:0012031, OMIM 608404.
Malaria, susceptibility to. Identifiers: Orphanet 673, MedGen C1970028, MONDO:0021024, OMIM 611162.
Osteopetrosis. Identifiers: Orphanet 2781, MedGen C0029454, MONDO:0017198, HP:0011002.

Allele frequency attached by ClinVar (database versions not stated): gnomAD exomes 0.00007 and 0.00012; ESP Exome Variant Server 0.00008; ExAC 0.00010; gnomAD 0.00011 and 0.00013; TOPMed 0.00012.
gnomAD v4.1: 130 of 1,609,420 alleles (0.0081%); highest among the groups gnomAD compares: Middle Eastern, 0.1%; 1 homozygote.

Submissions (5):

OLLIN Analises Genomicas, OLLIN
Classification: Uncertain significance for Malaria, susceptibility to. Last evaluated: 2026-08-06. Review status: criteria provided, single submitter. Criteria: ACMG Guidelines 2015 PMID 25741868. Collection method: clinical testing. Allele origin: germline.
Comment: This nonsense variant, located in exon 12 (of 15), has been reported in ClinVar (accession VCV001013550.43) and in gnomAD with an allele frequency of 0.00808%. However, to our knowledge, it has not been reported in the scientific literature. This variant introduces a premature stop codon, which is predicted to result in either a truncated protein or degradation of the mRNA via nonsense-mediated decay (NMD). According to the currently available evidence, this variant has been classified as uncertain significance (PVS1).

Genomic Medicine Center of Excellence, King Faisal Specialist Hospital and Research Centre
Classification: Likely pathogenic for Platelet-type bleeding disorder 10. Last evaluated: 2025-09-10. Review status: criteria provided, single submitter. Criteria: ACMG Guidelines, 2015. Collection method: clinical testing. Allele origin: germline.

Clinical Genetics Laboratory, Skane University Hospital Lund
Classification: Uncertain significance for Osteopetrosis. Last evaluated: 2025-03-12. Review status: criteria provided, single submitter. Criteria: ACMG Guidelines, 2015. Collection method: clinical testing. Allele origin: germline. Affected: yes.
Comment: ACMG criteria used: PVS1. 130 allele count and 1 homozygote in gnomAD v4.1.0 (global AF 0,008%), PM2 not applicable.

Revvity Omics, Revvity
Classification: Likely pathogenic for Platelet-type bleeding disorder 10. Last evaluated: 2022-03-10. Review status: criteria provided, single submitter. Criteria: ACMG Guidelines, 2015. Collection method: clinical testing. Allele origin: germline.

CeGaT Center for Human Genetics Tuebingen
Classification: Likely pathogenic. Last evaluated: 2021-01-01. Review status: criteria provided, single submitter. Criteria: CeGaT Center For Human Genetics Tuebingen Variant Classification Criteria Version 2. Collection method: clinical testing. Allele origin: germline. Affected: yes. Observed: 1 variant allele.